The following is an entry in ClinVar:

NM_006147.4(IRF6):c.180G>A (p.Trp60Ter)

Gene: IRF6 (interferon regulatory factor 6; minus strand). Cytogenetic location: 1q32.2.
Variant type: single nucleotide variant.
Coding change: c.180G>A on transcript NM_006147.4 (MANE Select); coding-DNA position 180, G replaced by A.
Protein change: p.Trp60Ter; replaces tryptophan 60 with a stop codon.
Molecular consequence: nonsense. On other transcripts: 5 prime UTR variant (1).
Genome position (GRCh38, 1-based): chr1:209,796,547, C>T on the plus strand (G>A on the coding strand, the complement: IRF6 is on the minus strand). VCF-style: chr1-209796547-C-T. GRCh37 (hg19) VCF-style: chr1-209969892-C-T.
Other names: c.-106G>A (NM_001206696.2); short protein forms W60*.
Identifiers: ClinVar variation 843190 (VCV000843190.10), dbSNP rs2077902411, ClinGen allele CA344583808.

ClinVar aggregate classification (germline): Pathogenic (1 of 4 stars; one submission).

Conditions:
Orofacial cleft 6, susceptibility to (OFC6). Also called: CLEFT LIP WITH OR WITHOUT CLEFT PALATE, NONSYNDROMIC, 6. Identifiers: MedGen C1837213, MONDO:0012141, OMIM 608864.
Popliteal pterygium syndrome (PPS). Identifiers: Orphanet 294963, MedGen C0265259, MONDO:0017435.
Van der Woude syndrome. Identifiers: Orphanet 888, MedGen C0175697, MONDO:0019508.

Submission:

Labcorp Genetics (formerly Invitae), Labcorp
Classification: Pathogenic for Orofacial cleft 6, susceptibility to; Van der Woude syndrome; Popliteal pterygium syndrome. Last evaluated: 2019-03-01. Review status: criteria provided, single submitter. Criteria: Invitae Variant Classification Sherloc (09022015). Collection method: clinical testing. Allele origin: germline.
Comment: Loss-of-function variants in IRF6 are known to be pathogenic (PMID: 19282774, 23949966). For these reasons, this variant has been classified as Pathogenic. This sequence change creates a premature translational stop signal (p.Trp60*) in the IRF6 gene. It is expected to result in an absent or disrupted protein product. This variant is not present in population databases (ExAC no frequency). This variant has not been reported in the literature in individuals with IRF6-related conditions. A different variant (c.179G>A) giving rise to the same protein effect observed here (p.Trp60*) has been reported in individuals with IRF6-related disease (PMID: 23154523).

Literature cited by the submitters: PubMed 19282774; PubMed 23949966; PubMed 23154523.